The following is an entry in ClinVar:

NM_022173.4(TIA1):c.3G>A (p.Met1Ile)

Gene: TIA1 (TIA1 cytotoxic granule associated RNA binding protein; minus strand). Cytogenetic location: 2p13.3.
Variant type: single nucleotide variant.
Coding change: c.3G>A on transcript NM_022173.4 (MANE Select); coding-DNA position 3, G replaced by A.
Protein change: p.Met1Ile; changes the start codon (methionine 1).
Molecular consequence: missense variant, initiator codon variant. On other transcripts: 5 prime UTR variant (6), non-coding transcript variant (14), intron variant (3).
Genome position (GRCh38, 1-based): chr2:70,248,428, C>T on the plus strand (G>A on the coding strand, the complement: TIA1 is on the minus strand). VCF-style: chr2-70248428-C-T. GRCh37 (hg19) VCF-style: chr2-70475560-C-T.
Other names: c.3G>A, p.Met1Ile (NM_001351508.2, NM_001351509.2, NM_001351510.2 and 7 more transcripts); c.-96G>A (NM_001351514.2, NM_001351523.2); c.-387G>A (NM_001351515.2); c.-636G>A (NM_001351517.2); c.-413G>A (NM_001351524.2); c.-451G>A (NM_001351525.2); c.-86+235G>A (NM_001351513.1, NM_001351511.1, NM_001351512.1); short protein forms M1I.
Identifiers: ClinVar variation 2021329 (VCV002021329.5), dbSNP rs2467716934, ClinGen allele CA347145703.

ClinVar aggregate classification (germline): Uncertain significance (1 of 4 stars; one submission).

Conditions:
Welander distal myopathy (WDM). Also called: Gower's muscular dystrophy; Welander distal myopathy, Swedish type; Distal myopathy, Swedish type; MUSCULAR DYSTROPHY, DISTAL, LATE-ONSET, AUTOSOMAL DOMINANT. Identifiers: Orphanet 603, MedGen C0221054, MONDO:0011466, OMIM 604454.

Submission:

Labcorp Genetics (formerly Invitae), Labcorp
Classification: Uncertain significance for Welander distal myopathy. Last evaluated: 2022-08-05. Review status: criteria provided, single submitter. Criteria: Invitae Variant Classification Sherloc (09022015). Collection method: clinical testing. Allele origin: germline.
Comment: Experimental studies and prediction algorithms are not available or were not evaluated, and the functional significance of this variant is currently unknown. In summary, the available evidence is currently insufficient to determine the role of this variant in disease. Therefore, it has been classified as a Variant of Uncertain Significance. This variant has not been reported in the literature in individuals affected with TIA1-related conditions. This sequence change affects the initiator methionine of the TIA1 mRNA. The next in-frame methionine is located at codon 5. This variant is not present in population databases (gnomAD no frequency).